The following is an entry in ClinVar:

NM_000152.5(GAA):c.1594G>T (p.Gly532Cys)

Gene: GAA (alpha glucosidase; plus strand). Cytogenetic location: 17q25.3.
Variant type: single nucleotide variant.
Coding change: c.1594G>T on transcript NM_000152.5 (MANE Select); coding-DNA position 1594, G replaced by T.
Protein change: p.Gly532Cys; replaces glycine 532 with cysteine.
Molecular consequence: missense variant.
Genome position (GRCh38, 1-based): chr17:80,110,983, G>T. VCF-style: chr17-80110983-G-T. GRCh37 (hg19) VCF-style: chr17-78084782-G-T.
Other names: p.Gly532Cys; c.1594G>T, p.Gly532Cys (NM_001079803.3, NM_001079804.3); short protein forms G532C.
Identifiers: ClinVar variation 999403 (VCV000999403.9), dbSNP rs773576381, ClinGen allele CA294895023.

ClinVar aggregate classification (germline): Uncertain significance. Review status: criteria provided, multiple submitters, no conflicts (2 of 4 stars). 2 submissions from 2 submitters: Uncertain significance (2). Last evaluated 2024-10-18.

Conditions:
Glycogen storage disease, type II (IOPD). Also called: POMPE DISEASE, INFANTILE-ONSET; GLYCOGEN STORAGE DISEASE II, INFANTILE-ONSET; ACID ALPHA-GLUCOSIDASE DEFICIENCY, INFANTILE-ONSET; GAA DEFICIENCY, INFANTILE-ONSET; ACID MALTASE DEFICIENCY, INFANTILE-ONSET; GLYCOGENOSIS, GENERALIZED, CARDIAC FORM. Identifiers: Orphanet 365, MedGen C0017921, MONDO:0009290, OMIM 232300.

gnomAD v4.1: 3 of 1,613,860 alleles (0.00019%); highest among the groups gnomAD compares: Non-Finnish European, 0.00025%; no homozygotes.

Submissions (2):

Labcorp Genetics (formerly Invitae), Labcorp
Classification: Uncertain significance for Glycogen storage disease, type II. Last evaluated: 2024-10-18. Review status: criteria provided, single submitter. Criteria: Invitae Variant Classification Sherloc (09022015). Collection method: clinical testing. Allele origin: germline.
Comment: This sequence change replaces glycine, which is neutral and non-polar, with cysteine, which is neutral and slightly polar, at codon 532 of the GAA protein (p.Gly532Cys). This variant is not present in population databases (gnomAD no frequency). This variant has not been reported in the literature in individuals affected with GAA-related conditions. ClinVar contains an entry for this variant (Variation ID: 999403). Invitae Evidence Modeling of protein sequence and biophysical properties (such as structural, functional, and spatial information, amino acid conservation, physicochemical variation, residue mobility, and thermodynamic stability) indicates that this missense variant is expected to disrupt GAA protein function with a positive predictive value of 95%. In summary, the available evidence is currently insufficient to determine the role of this variant in disease. Therefore, it has been classified as a Variant of Uncertain Significance.

Mayo Clinic Laboratories, Mayo Clinic
Classification: Uncertain significance. Last evaluated: 2024-06-05. Review status: criteria provided, single submitter. Criteria: ACMG Guidelines, 2015. Collection method: clinical testing. Allele origin: germline. Observed: 1 variant allele.
Comment: PP3, PM2